The following is an entry in ClinVar:

ClinVar aggregate classification (germline): Uncertain significance. Review status: criteria provided, multiple submitters, no conflicts (2 of 4 stars). 4 submissions from 4 submitters: Uncertain significance (4). Last evaluated 2025-02-12.

Conditions:
Tuberous sclerosis 2 (TSC2). Identifiers: Orphanet 805, MedGen C1860707, MONDO:0013199, OMIM 613254.
Hereditary cancer-predisposing syndrome. Also called: Neoplastic Syndromes, Hereditary; Hereditary neoplastic syndrome; Hereditary Cancer Syndrome; Tumor predisposition. Identifiers: Orphanet 140162, MedGen C0027672, MeSH D009386, MONDO:0015356.

gnomAD v4.1: 1 of 1,597,164 alleles (0.000063%); no homozygotes.

Submissions (4):

Labcorp Genetics (formerly Invitae), Labcorp
Classification: Uncertain significance for Tuberous sclerosis 2. Last evaluated: 2025-02-12. Review status: criteria provided, single submitter. Criteria: Invitae Variant Classification Sherloc (09022015). Collection method: clinical testing. Allele origin: germline.
Comment: This sequence change replaces serine, which is neutral and polar, with phenylalanine, which is neutral and non-polar, at codon 683 of the TSC2 protein (p.Ser683Phe). This variant is not present in population databases (gnomAD no frequency). This variant has not been reported in the literature in individuals affected with TSC2-related conditions. ClinVar contains an entry for this variant (Variation ID: 654307). Invitae Evidence Modeling of protein sequence and biophysical properties (such as structural, functional, and spatial information, amino acid conservation, physicochemical variation, residue mobility, and thermodynamic stability) indicates that this missense variant is not expected to disrupt TSC2 protein function with a negative predictive value of 95%. In summary, the available evidence is currently insufficient to determine the role of this variant in disease. Therefore, it has been classified as a Variant of Uncertain Significance.

GeneDx
Classification: Uncertain significance. Last evaluated: 2024-09-23. Review status: criteria provided, single submitter. Criteria: GeneDx Variant Classification Process June 2021. Collection method: clinical testing. Allele origin: germline. Affected: yes.
Comment: Not observed at significant frequency in large population cohorts (gnomAD); In silico analysis indicates that this missense variant does not alter protein structure/function; Has not been previously published as pathogenic or benign to our knowledge

Ambry Genetics
Classification: Uncertain significance for Hereditary cancer-predisposing syndrome. Last evaluated: 2024-06-07. Review status: criteria provided, single submitter. Criteria: Ambry Variant Classification Scheme 2023. Collection method: clinical testing. Allele origin: germline.
Comment: The p.S683F variant (also known as c.2048C>T), located in coding exon 18 of the TSC2 gene, results from a C to T substitution at nucleotide position 2048. The serine at codon 683 is replaced by phenylalanine, an amino acid with highly dissimilar properties. This amino acid position is not well conserved in available vertebrate species. In addition, this alteration is predicted to be tolerated by in silico analysis. Based on the available evidence, the clinical significance of this variant remains unclear.

Genome-Nilou Lab
Classification: Uncertain significance for Tuberous sclerosis 2. Last evaluated: 2021-11-07. Review status: criteria provided, single submitter. Criteria: ACMG Guidelines, 2015. Collection method: clinical testing. Allele origin: germline. Affected: no.

NM_000548.5(TSC2):c.2048C>T (p.Ser683Phe)

Gene: TSC2 (TSC complex subunit 2; plus strand). Cytogenetic location: 16p13.3.
Variant type: single nucleotide variant.
Coding change: c.2048C>T on transcript NM_000548.5 (MANE Select); coding-DNA position 2048, C replaced by T.
Protein change: p.Ser683Phe; replaces serine 683 with phenylalanine.
Molecular consequence: missense variant.
Genome position (GRCh38, 1-based): chr16:2,071,885, C>T. VCF-style: chr16-2071885-C-T. GRCh37 (hg19) VCF-style: chr16-2121886-C-T.
Other names: c.2048C>T, p.Ser683Phe (NM_001077183.3, NM_001114382.3, NM_001363528.2 and 3 more transcripts); c.1937C>T, p.Ser646Phe (NM_001318827.2); c.1901C>T, p.Ser634Phe (NM_001318829.2); c.1448C>T, p.Ser483Phe (NM_001318831.2); c.2081C>T, p.Ser694Phe (NM_001318832.2); short protein forms S634F, S646F, S483F, S683F, S694F.
Identifiers: ClinVar variation 654307 (VCV000654307.15), dbSNP rs919334398, ClinGen allele CA394274592.